The following is an entry in ClinVar:

NM_000059.4(BRCA2):c.3283C>T (p.Gln1095Ter)

Gene: BRCA2 (BRCA2 DNA repair associated; plus strand). Cytogenetic location: 13q13.1.
Variant type: single nucleotide variant.
Coding change: c.3283C>T on transcript NM_000059.4 (MANE Select); coding-DNA position 3283, C replaced by T.
Protein change: p.Gln1095Ter; replaces glutamine 1095 with a stop codon.
Molecular consequence: nonsense.
Genome position (GRCh38, 1-based): chr13:32,337,638, C>T. VCF-style: chr13-32337638-C-T. GRCh37 (hg19) VCF-style: chr13-32911775-C-T.
Other names: short protein forms Q1095*.
Identifiers: ClinVar variation 51444 (VCV000051444.13), dbSNP rs397507662, ClinGen allele CA017706.
Genomic context (GRCh38, chr13:32,337,638, plus strand): 5'-AGTGTAGTTGTTTCTGATTGTAAAAATAGTCATATAACCCCTCAGATGTTATTTTCCAAG[C>T]AGGATTTTAATTCAAACCATAATTTAACACCTAGCCAAAAGGCAGAAATTACAGAACTTT-3'

ClinVar aggregate classification (germline): Pathogenic. Review status: reviewed by expert panel (3 of 4 stars). 8 submissions from 8 submitters: Pathogenic (1). 7 of the submissions do not count toward it. Last evaluated 2016-09-08.

Conditions:
Hereditary cancer-predisposing syndrome. Also called: Hereditary Cancer Syndrome; Tumor predisposition; Neoplastic Syndromes, Hereditary; Hereditary neoplastic syndrome. Identifiers: Orphanet 140162, MedGen C0027672, MeSH D009386, MONDO:0015356.
Breast-ovarian cancer, familial, susceptibility to, 2 (BROVCA2). Also called: BRCA2 Hereditary Breast and Ovarian Cancer. Identifiers: Orphanet 145, MedGen C2675520, MONDO:0012933, OMIM 612555. Disease mechanism: loss of function.

Submissions (8):

Evidence-based Network for the Interpretation of Germline Mutant Alleles (ENIGMA)
Classification: Pathogenic for Breast-ovarian cancer, familial, susceptibility to, 2. Last evaluated: 2016-09-08. Review status: reviewed by expert panel. Criteria: ENIGMA BRCA1/2 Classification Criteria (2015). Collection method: curation. Allele origin: germline.
Comment: Variant allele predicted to encode a truncated non-functional protein.

Ambry Genetics
Classification: Pathogenic for Hereditary cancer-predisposing syndrome. Last evaluated: 2025-07-03. Review status: criteria provided, single submitter. Criteria: Ambry Variant Classification Scheme 2023. Collection method: clinical testing. Allele origin: germline. Not counted in ClinVar's aggregate classification.
Comment: The p.Q1095* pathogenic mutation (also known as c.3283C>T), located in coding exon 10 of the BRCA2 gene, results from a C to T substitution at nucleotide position 3283. This changes the amino acid from a glutamine to a stop codon within coding exon 10. This variant was detected in a cohort of 151 individuals diagnosed with epithelial breast cancer (Sukpan P et al. J Pers Med, 2023 Nov;13:). This variant is considered to be rare based on population cohorts in the Genome Aggregation Database (gnomAD). This alteration is expected to result in loss of function by premature protein truncation or nonsense-mediated mRNA decay. As such, this alteration is interpreted as a disease-causing mutation.

Variantyx, Inc.
Classification: Pathogenic for Breast-ovarian cancer, familial, susceptibility to, 2. Last evaluated: 2025-03-05. Review status: criteria provided, single submitter. Criteria: Variantyx Assertion Criteria 2022. Collection method: clinical testing. Allele origin: germline. Inheritance: Autosomal dominant inheritance. Affected: yes. Not counted in ClinVar's aggregate classification.
Comment: This is a nonsense variant in the BRCA2 gene (OMIM: 600185). Pathogenic variants in this gene have been associated with autosomal dominant susceptibility to familial breast-ovarian cancer 2. This variant introduces a premature termination codon in exon 11 out of 27 and is expected to result in loss of function, which is a known disease mechanism for BRCA2 in this disorder (PMID: 16199546, 17063271, 25632310, 12097290, 11897832, 12569143) (PVS1). This variant has been reported in at least 2 affected individuals (PMID: 16683254, 38003901) (PS4), while it is absent from control populations (PM2). Other reputable laboratories have reported this variant as pathogenic or likely pathogenic, and this classification has been validated by an expert panel in ClinVar (PP5). Based on the current evidence, this variant is classified as pathogenic for autosomal dominant susceptibility to familial breast-ovarian cancer 2.

GeneDx
Classification: Pathogenic. Last evaluated: 2024-01-17. Review status: criteria provided, single submitter. Criteria: GeneDx Variant Classification Process June 2021. Collection method: clinical testing. Allele origin: germline. Affected: yes. Not counted in ClinVar's aggregate classification.
Comment: Nonsense variant predicted to result in protein truncation or nonsense mediated decay in a gene for which loss of function is a known mechanism of disease; Not observed at significant frequency in large population cohorts (gnomAD); Truncating variants in this gene are considered pathogenic by a well-established clinical consortium and/or database; Also known as 3511C>T; This variant is associated with the following publications: (PMID: 25525159, 16683254, 32377563, 29446198, 38003901)

Consortium of Investigators of Modifiers of BRCA1/2 (CIMBA), c/o University of Cambridge
Classification: Pathogenic for Breast-ovarian cancer, familial, susceptibility to, 2. Last evaluated: 2015-10-02. Review status: criteria provided, single submitter. Criteria: CIMBA Mutation Classification guidelines May 2016. Collection method: clinical testing. Allele origin: germline. Not counted in ClinVar's aggregate classification.

Institute of Human Genetics, Medical University Innsbruck
Classification: Pathogenic for Breast-ovarian cancer, familial 2. Last evaluated: 2015-02-11. Review status: no assertion criteria provided. Criteria: clinical testing. Collection method: clinical testing. Allele origin: germline. Affected: yes. Study: BRCA-Tyrol. Not counted in ClinVar's aggregate classification.
Comment: BRCA-mutation spectrum Western Austria

Diagnostic Laboratory, Department of Genetics, University Medical Center Groningen
Classification: Pathogenic. Review status: no assertion criteria provided. Collection method: clinical testing. Allele origin: germline. Affected: yes. Study: VKGL Data-share Consensus. Not counted in ClinVar's aggregate classification.

Joint Genome Diagnostic Labs from Nijmegen and Maastricht, Radboudumc and MUMC+
Classification: Pathogenic. Review status: no assertion criteria provided. Collection method: clinical testing. Allele origin: germline. Affected: yes. Study: VKGL Data-share Consensus. Not counted in ClinVar's aggregate classification.

Literature cited by the submitters: PubMed 38003901 (cited by Ambry Genetics and Variantyx, Inc.); PubMed 16199546 (cited by Variantyx, Inc.); PubMed 17063271 (cited by Variantyx, Inc.); PubMed 25632310 (cited by Variantyx, Inc.); PubMed 12097290 (cited by Variantyx, Inc.); PubMed 11897832 (cited by Variantyx, Inc.); PubMed 12569143 (cited by Variantyx, Inc.); PubMed 16683254 (cited by Variantyx, Inc.).